The following is an entry in ClinVar:

NM_001267550.2(TTN):c.49942A>G (p.Lys16648Glu)

Genes: TTN (titin; minus strand), TTN-AS1 (TTN antisense RNA 1; plus strand). Cytogenetic location: 2q31.2.
Variant type: single nucleotide variant.
Coding change: c.49942A>G on transcript NM_001267550.2 (MANE Select); coding-DNA position 49942, A replaced by G.
Protein change: p.Lys16648Glu; replaces lysine 16648 with glutamic acid.
Molecular consequence: missense variant.
Genome position (GRCh38, 1-based): chr2:178,612,779, T>C on the plus strand (A>G on the coding strand, the complement: TTN is on the minus strand). VCF-style: chr2-178612779-T-C. GRCh37 (hg19) VCF-style: chr2-179477506-T-C.
Other names: c.45019A>G, p.Lys15007Glu (NM_001256850.1); c.22747A>G, p.Lys7583Glu (NM_003319.4); c.23122A>G, p.Lys7708Glu (NM_133432.3); c.23323A>G, p.Lys7775Glu (NM_133437.4); c.42238A>G, p.Lys14080Glu (NM_133378.4); short protein forms K14080E, K16648E, K15007E, K7775E, K7583E, K7708E.
Identifiers: ClinVar variation 179826 (VCV000179826.8), dbSNP rs727505156, ClinGen allele CA185220.

ClinVar aggregate classification (germline): Uncertain significance. Review status: criteria provided, multiple submitters, no conflicts (2 of 4 stars). 2 submissions from 2 submitters: Uncertain significance (2). Last evaluated 2022-12-14.

Submissions (2):

Revvity Omics, Revvity
Classification: Uncertain significance. Last evaluated: 2022-12-14. Review status: criteria provided, single submitter. Criteria: ACMG Guidelines, 2015. Collection method: clinical testing. Allele origin: germline.

Laboratory for Molecular Medicine, Mass General Brigham Personalized Medicine
Classification: Uncertain significance. Last evaluated: 2014-07-01. Review status: criteria provided, single submitter. Criteria: LMM Criteria. Collection method: clinical testing. Allele origin: germline. Observed: 1 variant allele.
Comment: The Lys14080Glu variant in TTN has not been previously reported in individuals w ith cardiomyopathy. Data from large population studies is insufficient to assess the frequency of this variant. Computational prediction tools and conservation analysis do not provide strong support for or against an impact to the protein. In summary, the clinical significance of the Lys14080Glu variant is uncertain.